The following is an entry in ClinVar:

NM_001134363.3(RBM20):c.2988C>A (p.Asp996Glu)

Gene: RBM20 (RNA binding motif protein 20; plus strand). Cytogenetic location: 10q25.2.
Variant type: single nucleotide variant.
Coding change: c.2988C>A on transcript NM_001134363.3 (MANE Select); coding-DNA position 2988, C replaced by A.
Protein change: p.Asp996Glu; replaces aspartic acid 996 with glutamic acid.
Molecular consequence: missense variant.
Genome position (GRCh38, 1-based): chr10:110,821,607, C>A. VCF-style: chr10-110821607-C-A. GRCh37 (hg19) VCF-style: chr10-112581365-C-A.
Other names: short protein forms D996E.
Identifiers: ClinVar variation 1016758 (VCV001016758.8), dbSNP rs1249673177, ClinGen allele CA378378775.

ClinVar aggregate classification (germline): Uncertain significance (1 of 4 stars; one submission).

Conditions:
Dilated cardiomyopathy 1DD (CMD1DD). Identifiers: Orphanet 154, MedGen C2750995, MONDO:0013168, OMIM 613172.

gnomAD v4.1: 1 of 1,551,280 alleles (0.000064%); highest among the groups gnomAD compares: East Asian, 0.0024%; no homozygotes.

Submission:

Labcorp Genetics (formerly Invitae), Labcorp
Classification: Uncertain significance for Dilated cardiomyopathy 1DD. Last evaluated: 2025-02-05. Review status: criteria provided, single submitter. Criteria: Invitae Variant Classification Sherloc (09022015). Collection method: clinical testing. Allele origin: germline.
Comment: This sequence change replaces aspartic acid, which is acidic and polar, with glutamic acid, which is acidic and polar, at codon 996 of the RBM20 protein (p.Asp996Glu). This variant is not present in population databases (gnomAD no frequency). This variant has not been reported in the literature in individuals affected with RBM20-related conditions. ClinVar contains an entry for this variant (Variation ID: 1016758). Invitae Evidence Modeling of protein sequence and biophysical properties (such as structural, functional, and spatial information, amino acid conservation, physicochemical variation, residue mobility, and thermodynamic stability) indicates that this missense variant is not expected to disrupt RBM20 protein function with a negative predictive value of 95%. In summary, the available evidence is currently insufficient to determine the role of this variant in disease. Therefore, it has been classified as a Variant of Uncertain Significance.